The following is an entry in ClinVar:

NM_013352.4(DSE):c.1909C>T (p.Arg637Trp)

Gene: DSE (dermatan sulfate epimerase; plus strand). Cytogenetic location: 6q22.1.
Variant type: single nucleotide variant.
Coding change: c.1909C>T on transcript NM_013352.4 (MANE Select); coding-DNA position 1909, C replaced by T.
Protein change: p.Arg637Trp; replaces arginine 637 with tryptophan.
Molecular consequence: missense variant. On other transcripts: 3 prime UTR variant (2), non-coding transcript variant (1).
Genome position (GRCh38, 1-based): chr6:116,436,377, C>T. VCF-style: chr6-116436377-C-T. GRCh37 (hg19) VCF-style: chr6-116757540-C-T.
Other names: c.1909C>T, p.Arg637Trp (NM_001080976.3, NM_001322937.2, NM_001322938.2); c.1966C>T, p.Arg656Trp (NM_001322939.2); c.1348C>T, p.Arg450Trp (NM_001322940.2, NM_001322941.2); c.*774C>T (NM_001322943.2, NM_001322944.2); c.910C>T, p.Arg304Trp (NM_001374520.1); c.874C>T, p.Arg292Trp (NM_001374521.1); c.1909C>T (NM_013352.2); short protein forms R304W, R637W, R450W, R292W, R656W.
Identifiers: ClinVar variation 1518045 (VCV001518045.4), dbSNP rs763787753, ClinGen allele CA3969728.

ClinVar aggregate classification (germline): Uncertain significance. Review status: criteria provided, multiple submitters, no conflicts (2 of 4 stars). 2 submissions from 2 submitters: Uncertain significance (2). Last evaluated 2024-05-16.

Conditions:
Ehlers-Danlos syndrome, musculocontractural type 2 (EDSMC2). Identifiers: Orphanet 2953, MedGen C3809845, MONDO:0014236, OMIM 615539.

Allele frequency attached by ClinVar (database versions not stated): TOPMed below 0.00001; ExAC 0.00002; gnomAD 0.00001; gnomAD exomes 0.00002.
gnomAD v4.1: 12 of 1,614,018 alleles (0.00074%); highest among the groups gnomAD compares: East Asian, 0.0067%; no homozygotes.

Submissions (2):

GeneDx
Classification: Uncertain significance. Last evaluated: 2024-05-16. Review status: criteria provided, single submitter. Criteria: GeneDx Variant Classification Process June 2021. Collection method: clinical testing. Allele origin: germline. Affected: yes.
Comment: Not observed at significant frequency in large population cohorts (gnomAD); In silico analysis indicates that this missense variant does not alter protein structure/function; Has not been previously published as pathogenic or benign to our knowledge

Labcorp Genetics (formerly Invitae), Labcorp
Classification: Uncertain significance for Ehlers-Danlos syndrome, musculocontractural type 2. Last evaluated: 2022-07-19. Review status: criteria provided, single submitter. Criteria: Invitae Variant Classification Sherloc (09022015). Collection method: clinical testing. Allele origin: germline.
Comment: This sequence change replaces arginine, which is basic and polar, with tryptophan, which is neutral and slightly polar, at codon 637 of the DSE protein (p.Arg637Trp). This variant is present in population databases (rs763787753, gnomAD 0.01%). This variant has not been reported in the literature in individuals affected with DSE-related conditions. ClinVar contains an entry for this variant (Variation ID: 1518045). Algorithms developed to predict the effect of missense changes on protein structure and function are either unavailable or do not agree on the potential impact of this missense change (SIFT: "Not Available"; PolyPhen-2: "Probably Damaging"; Align-GVGD: "Not Available"). In summary, the available evidence is currently insufficient to determine the role of this variant in disease. Therefore, it has been classified as a Variant of Uncertain Significance.